The following is an entry in ClinVar:

ClinVar aggregate classification (germline): Benign/Likely benign. Review status: criteria provided, multiple submitters, no conflicts (2 of 4 stars). 5 submissions from 5 submitters: Benign (1); Likely benign (1). 3 of the submissions do not count toward it. Last evaluated 2026-01-26.

Conditions:
Dilated cardiomyopathy 1G (CMD1G). Identifiers: Orphanet 154, MedGen C1858763, MONDO:0011400, OMIM 604145.
Autosomal recessive limb-girdle muscular dystrophy type 2J (LGMDR10). Also called: MUSCULAR DYSTROPHY, LIMB-GIRDLE, AUTOSOMAL RECESSIVE 10; Limb-girdle muscular dystrophy, type 2J. Identifiers: Orphanet 140922, MedGen C1837342, MONDO:0012127, OMIM 608807.

Submissions (5):

Labcorp Genetics (formerly Invitae), Labcorp
Classification: Likely benign for Dilated cardiomyopathy 1G; Autosomal recessive limb-girdle muscular dystrophy type 2J. Last evaluated: 2026-01-26. Review status: criteria provided, single submitter. Criteria: Invitae Variant Classification Sherloc (09022015). Collection method: clinical testing. Allele origin: germline.

Women's Health and Genetics/Laboratory Corporation of America, LabCorp
Classification: Benign. Last evaluated: 2024-06-18. Review status: criteria provided, single submitter. Criteria: LabCorp Variant Classification Summary - May 2015. Collection method: clinical testing. Allele origin: germline.
Comment: Variant summary: TTN c.47108-14delT alters a nucleotide located at a position not widely known to affect splicing. Consensus agreement among computation tools predict no significant impact on normal splicing. However, these predictions have yet to be confirmed by functional studies. The variant allele was found at a frequency of 0.00042 in 1340650 control chromosomes, predominantly at a frequency of 0.0014 within the South Asian subpopulation in the gnomAD database (v4). The observed variant frequency within South Asian control individuals in the gnomAD database is approximately 4 fold of the estimated maximal expected allele frequency for a pathogenic variant in TTN causing Dilated Cardiomyopathy phenotype (0.00039). To our knowledge, no occurrence of c.47108-14delT in individuals affected with Dilated Cardiomyopathy and no experimental evidence demonstrating its impact on protein function have been reported. ClinVar contains an entry for this variant (Variation ID: 202719). Based on the evidence outlined above, the variant was classified as benign.

GeneDx
No classification provided. Last evaluated: 2013-02-05. Review status: no classification provided. Criteria: GeneDx Variant Classification (06012015). Collection method: clinical testing. Allele origin: germline. Affected: yes. Not counted in ClinVar's aggregate classification.
Comment: Missense variants in the TTN gene are considered 'unclassified' if they are not previously reported in the literature and do not have >1% frequency in the population to be considered a polymorphism. Research indicates that truncating mutations in the TTN gene are expected to account for approximately 25% of familial and 18% of sporadic idiopathic DCM; however, truncating variants in the TTN gene have been reported in approximately 3% of reported control alleles. There has been little investigation into non-truncating variants. (Herman D et al. Truncations of titin causing dilated cardiomyopathy. N Eng J Med 366:619-628, 2012) The variant is found in DCM panel(s).

Clinical Genetics, Academic Medical Center
Classification: Benign. Review status: no assertion criteria provided. Collection method: clinical testing. Allele origin: germline. Affected: yes. Study: VKGL Data-share Consensus. Not counted in ClinVar's aggregate classification.

Genome Diagnostics Laboratory, University Medical Center Utrecht
Classification: Likely benign. Review status: no assertion criteria provided. Collection method: clinical testing. Allele origin: germline. Affected: yes. Study: VKGL Data-share Consensus. Not counted in ClinVar's aggregate classification.

NM_001267550.2(TTN):c.54812-14del

Genes: TTN-AS1 (TTN antisense RNA 1; plus strand), TTN (titin; minus strand). Cytogenetic location: 2q31.2.
Variant type: Deletion.
Coding change: c.54812-14del on transcript NM_001267550.2 (MANE Select); 14 bases into the intron before coding-DNA position 54812, one base deleted (T; older notation c.54812-14delT).
Molecular consequence: intron variant.
Genome position (GRCh38, 1-based): chr2:178,602,604, A deleted on the plus strand (T on the coding strand, the reverse complement: TTN is on the minus strand); the first of 10 consecutive A bases (chr2:178,602,604-178,602,613); deleting any one gives the same sequence. VCF-style (leftmost placement, unchanged base first): chr2-178602603-GA-G. GRCh37 (hg19) VCF-style: chr2-179467330-GA-G.
Other names: c.27617-14del (NM_003319.4); c.28193-14del (NM_133437.4); c.27992-14del (NM_133432.3); c.47108-14del (NM_133378.4); c.49889-14del (NM_001256850.1); c.47108-14delT (NM_133378.4).
Identifiers: ClinVar variation 202719 (VCV000202719.13), dbSNP rs770542364, ClinGen allele CA310079.